The following is an entry in ClinVar:

ClinVar aggregate classification (germline): Conflicting classifications of pathogenicity. Review status: criteria provided, conflicting classifications (1 of 4 stars). 4 submissions from 3 submitters: Uncertain significance (2); Likely benign (2). Last evaluated 2025-04-03.

Conditions:
Leber congenital amaurosis 11 (LCA11). Identifiers: Orphanet 65, MedGen C1840284, MONDO:0013454, OMIM 613837.
IMPDH1-related disorder. Also called: IMPDH1-related condition; IMPDH1-related disorders.
Retinitis pigmentosa (RP). Identifiers: Orphanet 791, MedGen C0035334, MeSH D012174, MONDO:0019200, OMIM 268000. Inheritance: Autosomal dominant, autosomal recessive and X linked inheritance.

Allele frequency attached by ClinVar (database versions not stated): gnomAD exomes 0.00006 and 0.00003; ExAC 0.00003; TOPMed 0.00004; gnomAD 0.00005.

Submissions (4):

PreventionGenetics, part of Exact Sciences
Classification: Likely benign for IMPDH1-related condition. Last evaluated: 2025-04-03. Review status: criteria provided, single submitter. Criteria: ACMG Guidelines, 2015. Collection method: clinical testing. Allele origin: germline.
Comment: This variant is classified as likely benign based on ACMG/AMP sequence variant interpretation guidelines (Richards et al. 2015 PMID: 25741868, with internal and published modifications).

Labcorp Genetics (formerly Invitae), Labcorp
Classification: Likely benign. Last evaluated: 2024-01-21. Review status: criteria provided, single submitter. Criteria: Invitae Variant Classification Sherloc (09022015). Collection method: clinical testing. Allele origin: germline.

Illumina Laboratory Services, Illumina
Classification: Uncertain significance for Leber congenital amaurosis 11. Last evaluated: 2018-01-13. Review status: criteria provided, single submitter. Criteria: ICSL Variant Classification Criteria 13 December 2019. Collection method: clinical testing. Allele origin: germline.

Illumina Laboratory Services, Illumina
Classification: Uncertain significance for Retinitis pigmentosa. Last evaluated: 2018-01-13. Review status: criteria provided, single submitter. Criteria: ICSL Variant Classification Criteria 13 December 2019. Collection method: clinical testing. Allele origin: germline.

NM_000883.4(IMPDH1):c.1280C>T (p.Pro427Leu)

Gene: IMPDH1 (inosine monophosphate dehydrogenase 1; minus strand). Cytogenetic location: 7q32.1.
Variant type: single nucleotide variant.
Coding change: c.1280C>T on transcript NM_000883.4 (MANE Select); coding-DNA position 1280, C replaced by T.
Protein change: p.Pro427Leu; replaces proline 427 with leucine.
Molecular consequence: missense variant.
Genome position (GRCh38, 1-based): chr7:128,395,256, G>A on the plus strand (C>T on the coding strand, the complement: IMPDH1 is on the minus strand). VCF-style: chr7-128395256-G-A. GRCh37 (hg19) VCF-style: chr7-128035310-G-A.
Other names: c.1250C>T, p.Pro417Leu (NM_001102605.2); c.1025C>T, p.Pro342Leu (NM_001142573.2); c.1010C>T, p.Pro337Leu (NM_001142574.2); c.950C>T, p.Pro317Leu (NM_001142575.2); c.1181C>T, p.Pro394Leu (NM_001142576.2); c.1073C>T, p.Pro358Leu (NM_001304521.2); c.1172C>T, p.Pro391Leu (NM_183243.3); short protein forms P337L, P342L, P391L, P417L, P317L, P358L, P394L, P427L.
Identifiers: ClinVar variation 910797 (VCV000910797.13), dbSNP rs763999626, ClinGen allele CA4470872.